The following is an entry in ClinVar:

NM_005045.4(RELN):c.9447G>A (p.Ser3149=)

Genes: RELN (reelin; minus strand), SLC26A5-AS1 (SLC26A5 antisense RNA 1; plus strand), LOC126860130 (BRD4-independent group 4 enhancer GRCh37_chr7:103130126-103131325; plus strand). Cytogenetic location: 7q22.1.
Variant type: single nucleotide variant.
Coding change: c.9447G>A on transcript NM_005045.4 (MANE Select); coding-DNA position 9447, G replaced by A.
Protein change: p.Ser3149=; no amino-acid change (serine 3149 retained).
Molecular consequence: synonymous variant.
Genome position (GRCh38, 1-based): chr7:103,490,826, C>T on the plus strand (G>A on the coding strand, the complement: RELN is on the minus strand). VCF-style: chr7-103490826-C-T. GRCh37 (hg19) VCF-style: chr7-103131273-C-T.
Other names: c.9447G>A, p.Ser3149= (NM_173054.3); c.9447G>A (NM_005045.3).
Identifiers: ClinVar variation 1397456 (VCV001397456.8), dbSNP rs770503009, ClinGen allele CA4420202.

ClinVar aggregate classification (germline): Conflicting classifications of pathogenicity. Review status: criteria provided, conflicting classifications (1 of 4 stars). 3 submissions from 3 submitters: Uncertain significance (1); Benign (1); Likely benign (1). Last evaluated 2026-08-01.

Conditions:
Norman-Roberts syndrome (LIS2). Also called: Lissencephaly 2 (Norman-Roberts type). Identifiers: Orphanet 89844, MedGen C0796089, MONDO:0009760, OMIM 257320.
Familial temporal lobe epilepsy 7. Identifiers: Orphanet 101046, MedGen C4225327, MONDO:0014639, OMIM 616436.

Allele frequency attached by ClinVar (database versions not stated): gnomAD 0.00001; ExAC 0.00002; gnomAD exomes 0.00002.
gnomAD v4.1: 28 of 1,613,958 alleles (0.0017%); highest among the groups gnomAD compares: South Asian, 0.011%; no homozygotes.

Submissions (3):

CeGaT Center for Human Genetics Tuebingen
Classification: Likely benign. Last evaluated: 2026-08-01. Review status: criteria provided, single submitter. Criteria: CeGaT Center For Human Genetics Tuebingen Variant Classification Criteria Version 2. Collection method: clinical testing. Allele origin: germline. Affected: yes. Observed: 1 variant allele.
Comment: RELN: BP4

Labcorp Genetics (formerly Invitae), Labcorp
Classification: Benign for Familial temporal lobe epilepsy 7; Norman-Roberts syndrome. Last evaluated: 2026-01-09. Review status: criteria provided, single submitter. Criteria: Invitae Variant Classification Sherloc (09022015). Collection method: clinical testing. Allele origin: germline.

GeneDx
Classification: Uncertain significance. Last evaluated: 2022-09-22. Review status: criteria provided, single submitter. Criteria: GeneDx Variant Classification Process June 2021. Collection method: clinical testing. Allele origin: germline. Affected: yes.
Comment: Not observed at significant frequency in large population cohorts (gnomAD); Has not been previously published as pathogenic or benign to our knowledge; In silico analysis suggests this variant may impact gene splicing. In the absence of RNA/functional studies, the actual effect of this sequence change is unknown.